The following is an entry in ClinVar:

ClinVar aggregate classification (germline): Uncertain significance (1 of 4 stars; one submission).

Submission:

Labcorp Genetics (formerly Invitae), Labcorp
Classification: Uncertain significance. Last evaluated: 2022-08-13. Review status: criteria provided, single submitter. Criteria: Invitae Variant Classification Sherloc (09022015). Collection method: clinical testing. Allele origin: germline.
Comment: This sequence change replaces lysine, which is basic and polar, with glutamic acid, which is acidic and polar, at codon 127 of the ARL3 protein (p.Lys127Glu). In summary, the available evidence is currently insufficient to determine the role of this variant in disease. Therefore, it has been classified as a Variant of Uncertain Significance. Algorithms developed to predict the effect of missense changes on protein structure and function are either unavailable or do not agree on the potential impact of this missense change (SIFT: "Deleterious"; PolyPhen-2: "Probably Damaging"; Align-GVGD: "Class C0"). This variant has not been reported in the literature in individuals affected with ARL3-related conditions. This variant is not present in population databases (gnomAD no frequency).

NM_004311.4(ARL3):c.379A>G (p.Lys127Glu)

Gene: ARL3 (ARF like GTPase 3; minus strand). Cytogenetic location: 10q24.32.
Variant type: single nucleotide variant.
Coding change: c.379A>G on transcript NM_004311.4 (MANE Select); coding-DNA position 379, A replaced by G.
Protein change: p.Lys127Glu; replaces lysine 127 with glutamic acid.
Molecular consequence: missense variant.
Genome position (GRCh38, 1-based): chr10:102,685,938, T>C on the plus strand (A>G on the coding strand, the complement: ARL3 is on the minus strand). VCF-style: chr10-102685938-T-C. GRCh37 (hg19) VCF-style: chr10-104445695-T-C.
Other names: short protein forms K127E.
Identifiers: ClinVar variation 2009436 (VCV002009436.4), dbSNP rs2492951228, ClinGen allele CA377920409.